The following is an entry in ClinVar:

ClinVar aggregate classification (germline): Uncertain significance. Review status: criteria provided, multiple submitters, no conflicts (2 of 4 stars). 2 submissions from 2 submitters: Uncertain significance (2). Last evaluated 2025-11-03.

Conditions:
Bloom syndrome (BLM). Also called: Bloom-Torre-Machacek syndrome. Identifiers: Orphanet 125, MedGen C0005859, MONDO:0008876, OMIM 210900.
Hereditary cancer-predisposing syndrome. Also called: Tumor predisposition; Hereditary Cancer Syndrome; Hereditary neoplastic syndrome; Neoplastic Syndromes, Hereditary. Identifiers: Orphanet 140162, MedGen C0027672, MeSH D009386, MONDO:0015356.

gnomAD v4.1: 4 of 1,605,428 alleles (0.00025%); highest among the groups gnomAD compares: Non-Finnish European, 0.00034%; no homozygotes.

Submissions (2):

Ambry Genetics
Classification: Uncertain significance for Hereditary cancer-predisposing syndrome. Last evaluated: 2025-11-03. Review status: criteria provided, single submitter. Criteria: Ambry Variant Classification Scheme 2023. Collection method: clinical testing. Allele origin: germline.
Comment: The p.E1017G variant (also known as c.3050A>G), located in coding exon 15 of the BLM gene, results from an A to G substitution at nucleotide position 3050. The glutamic acid at codon 1017 is replaced by glycine, an amino acid with similar properties. This amino acid position is conserved. In addition, this alteration is predicted to be tolerated by in silico analysis. Since supporting evidence is limited at this time, the clinical significance of this alteration remains unclear.

Labcorp Genetics (formerly Invitae), Labcorp
Classification: Uncertain significance for Bloom syndrome. Last evaluated: 2022-01-28. Review status: criteria provided, single submitter. Criteria: Invitae Variant Classification Sherloc (09022015). Collection method: clinical testing. Allele origin: germline.
Comment: This variant has not been reported in the literature in individuals affected with BLM-related conditions. This variant is not present in population databases (gnomAD no frequency). This sequence change replaces glutamic acid, which is acidic and polar, with glycine, which is neutral and non-polar, at codon 1017 of the BLM protein (p.Glu1017Gly). Algorithms developed to predict the effect of missense changes on protein structure and function (SIFT, PolyPhen-2, Align-GVGD) all suggest that this variant is likely to be tolerated. In summary, the available evidence is currently insufficient to determine the role of this variant in disease. Therefore, it has been classified as a Variant of Uncertain Significance.

NM_000057.4(BLM):c.3050A>G (p.Glu1017Gly)

Gene: BLM (BLM RecQ like helicase; plus strand). Cytogenetic location: 15q26.1.
Variant type: single nucleotide variant.
Coding change: c.3050A>G on transcript NM_000057.4 (MANE Select); coding-DNA position 3050, A replaced by G.
Protein change: p.Glu1017Gly; replaces glutamic acid 1017 with glycine.
Molecular consequence: missense variant.
Genome position (GRCh38, 1-based): chr15:90,794,197, A>G. VCF-style: chr15-90794197-A-G. GRCh37 (hg19) VCF-style: chr15-91337427-A-G.
Other names: c.3050A>G, p.Glu1017Gly (NM_001287246.2, NM_001287247.2); c.1925A>G, p.Glu642Gly (NM_001287248.2); short protein forms E1017G, E642G.
Identifiers: ClinVar variation 1470108 (VCV001470108.11), dbSNP rs2151187186, ClinGen allele CA393846716.
Genomic context (GRCh38, chr15:90,794,197, plus strand): 5'-ATGTCTTACTATAGTCTTCATCTCTTTTAGTGGAAAAAGATGGAAACCATCATACAAGAG[A>G]AACTCACTTCAATAATTTGTATAGCATGGTACATTACTGTGAAAATATAACGGAATGCAG-3'
Protein context (NP_000048.1, residues 1007-1027): MEKDGNHHTR[Glu1017Gly]THFNNLYSMV